The following is an entry in ClinVar:

NM_001558.4(IL10RA):c.1414G>A (p.Gly472Ser)

Gene: IL10RA (interleukin 10 receptor subunit alpha; plus strand). Cytogenetic location: 11q23.3.
Variant type: single nucleotide variant.
Coding change: c.1414G>A on transcript NM_001558.4 (MANE Select); coding-DNA position 1414, G replaced by A.
Protein change: p.Gly472Ser; replaces glycine 472 with serine.
Molecular consequence: missense variant. On other transcripts: non-coding transcript variant (1).
Genome position (GRCh38, 1-based): chr11:117,999,318, G>A. VCF-style: chr11-117999318-G-A. GRCh37 (hg19) VCF-style: chr11-117870033-G-A.
Other names: short protein forms G472S.
Identifiers: ClinVar variation 879362 (VCV000879362.10), dbSNP rs138626531, ClinGen allele CA6299181.

ClinVar aggregate classification (germline): Uncertain significance. Review status: criteria provided, multiple submitters, no conflicts (2 of 4 stars). 3 submissions from 3 submitters: Uncertain significance (3). Last evaluated 2026-06-17.

Conditions:
Inborn genetic diseases. Identifiers: MedGen C0950123, MeSH D030342.
Inflammatory bowel disease 28. Also called: Inflammatory bowel disease 28, early onset, autosomal recessive. Identifiers: Orphanet 238569, MedGen C2751053, MONDO:0013153, OMIM 613148.

Allele frequency attached by ClinVar (database versions not stated): ExAC 0.00002; gnomAD 0.00003 and 0.00004; gnomAD exomes 0.00003 and 0.00002; TOPMed 0.00003; ESP Exome Variant Server 0.00008.
gnomAD v4.1: 29 of 1,614,116 alleles (0.0018%); highest among the groups gnomAD compares: African/African-American, 0.008%; no homozygotes.

Submissions (3):

Ambry Genetics
Classification: Uncertain significance for Inborn genetic diseases. Last evaluated: 2026-06-17. Review status: criteria provided, single submitter. Criteria: Ambry Variant Classification Scheme 2023. Collection method: clinical testing. Allele origin: germline.

Labcorp Genetics (formerly Invitae), Labcorp
Classification: Uncertain significance for Inflammatory bowel disease 28. Last evaluated: 2025-12-03. Review status: criteria provided, single submitter. Criteria: Invitae Variant Classification Sherloc (09022015). Collection method: clinical testing. Allele origin: germline.
Comment: This sequence change replaces glycine, which is neutral and non-polar, with serine, which is neutral and polar, at codon 472 of the IL10RA protein (p.Gly472Ser). This variant is present in population databases (rs138626531, gnomAD 0.03%). This variant has not been reported in the literature in individuals affected with IL10RA-related conditions. ClinVar contains an entry for this variant (Variation ID: 879362). Invitae Evidence Modeling of protein sequence and biophysical properties (such as structural, functional, and spatial information, amino acid conservation, physicochemical variation, residue mobility, and thermodynamic stability) indicates that this missense variant is not expected to disrupt IL10RA protein function with a negative predictive value of 80%. In summary, the available evidence is currently insufficient to determine the role of this variant in disease. Therefore, it has been classified as a Variant of Uncertain Significance.

Illumina Laboratory Services, Illumina
Classification: Uncertain significance for Inflammatory bowel disease 28. Last evaluated: 2018-01-13. Review status: criteria provided, single submitter. Criteria: ICSL Variant Classification Criteria 13 December 2019. Collection method: clinical testing. Allele origin: germline.